The following is an entry in ClinVar:

NM_032634.4(PIGO):c.2189C>G (p.Pro730Arg)

Gene: PIGO (phosphatidylinositol glycan anchor biosynthesis class O; minus strand). Cytogenetic location: 9p13.3.
Variant type: single nucleotide variant.
Coding change: c.2189C>G on transcript NM_032634.4 (MANE Select); coding-DNA position 2189, C replaced by G.
Protein change: p.Pro730Arg; replaces proline 730 with arginine.
Molecular consequence: missense variant. On other transcripts: intron variant (2).
Genome position (GRCh38, 1-based): chr9:35,091,698, G>C on the plus strand (C>G on the coding strand, the complement: PIGO is on the minus strand). VCF-style: chr9-35091698-G-C. GRCh37 (hg19) VCF-style: chr9-35091695-G-C.
Other names: c.1345-407C>G (NM_152850.4, NM_001201484.2); short protein forms P730R.
Identifiers: ClinVar variation 2189894 (VCV002189894.4), dbSNP rs561174794, ClinGen allele CA373320601.

ClinVar aggregate classification (germline): Uncertain significance (1 of 4 stars; one submission).

Conditions:
Hyperphosphatasia with impaired intellectual development syndrome 2. Also called: Hyperphosphatasia with intellectual disability syndrome 2; GLYCOSYLPHOSPHATIDYLINOSITOL BIOSYNTHESIS DEFECT 6. Identifiers: Orphanet 247262, MedGen C3553637, MONDO:0013882, OMIM 614749.

gnomAD v4.1: 20 of 1,612,510 alleles (0.0012%); highest among the groups gnomAD compares: Non-Finnish European, 0.0014%; no homozygotes.

Submission:

Labcorp Genetics (formerly Invitae), Labcorp
Classification: Uncertain significance for Hyperphosphatasia with impaired intellectual development syndrome 2. Last evaluated: 2022-02-18. Review status: criteria provided, single submitter. Criteria: Invitae Variant Classification Sherloc (09022015). Collection method: clinical testing. Allele origin: germline.
Comment: This sequence change replaces proline, which is neutral and non-polar, with arginine, which is basic and polar, at codon 730 of the PIGO protein (p.Pro730Arg). This variant is present in population databases (no rsID available, gnomAD 0.0009%). This variant has not been reported in the literature in individuals affected with PIGO-related conditions. Algorithms developed to predict the effect of missense changes on protein structure and function (SIFT, PolyPhen-2, Align-GVGD) all suggest that this variant is likely to be tolerated. In summary, the available evidence is currently insufficient to determine the role of this variant in disease. Therefore, it has been classified as a Variant of Uncertain Significance.